The following is an entry in ClinVar:

ClinVar aggregate classification (germline): Conflicting classifications of pathogenicity. Review status: criteria provided, conflicting classifications (1 of 4 stars). 2 submissions from 2 submitters: Uncertain significance (1); Likely benign (1). Last evaluated 2024-02-11.

gnomAD v4.1: 22 of 1,614,022 alleles (0.0014%); highest among the groups gnomAD compares: Middle Eastern, 0.016%; no homozygotes.

Submissions (2):

Labcorp Genetics (formerly Invitae), Labcorp
Classification: Uncertain significance. Last evaluated: 2024-02-11. Review status: criteria provided, single submitter. Criteria: Invitae Variant Classification Sherloc (09022015). Collection method: clinical testing. Allele origin: germline.
Comment: This sequence change falls in intron 12 of the SNRNP200 gene. It does not directly change the encoded amino acid sequence of the SNRNP200 protein. It affects a nucleotide within the consensus splice site. This variant is not present in population databases (gnomAD no frequency). This variant has not been reported in the literature in individuals affected with SNRNP200-related conditions. Variants that disrupt the consensus splice site are a relatively common cause of aberrant splicing (PMID: 17576681, 9536098). Algorithms developed to predict the effect of sequence changes on RNA splicing suggest that this variant is not likely to affect RNA splicing. In summary, the available evidence is currently insufficient to determine the role of this variant in disease. Therefore, it has been classified as a Variant of Uncertain Significance.

Blueprint Genetics
Classification: Likely benign. Last evaluated: 2023-05-04. Review status: criteria provided, single submitter. Criteria: ACMG Guidelines, 2015. Collection method: clinical testing. Allele origin: germline.

Literature cited by the submitters: PubMed 17576681 (cited by Labcorp Genetics (formerly Invitae), Labcorp); PubMed 9536098 (cited by Labcorp Genetics (formerly Invitae), Labcorp).

NM_014014.5(SNRNP200):c.1515+6C>T

Gene: SNRNP200 (small nuclear ribonucleoprotein U5 subunit 200; minus strand). Cytogenetic location: 2q11.2.
Variant type: single nucleotide variant.
Coding change: c.1515+6C>T on transcript NM_014014.5 (MANE Select); 6 bases into the intron after coding-DNA position 1515, C replaced by T.
Molecular consequence: intron variant.
Genome position (GRCh38, 1-based): chr2:96,296,927, G>A on the plus strand (C>T on the coding strand, the complement: SNRNP200 is on the minus strand). VCF-style: chr2-96296927-G-A. GRCh37 (hg19) VCF-style: chr2-96962665-G-A.
Identifiers: ClinVar variation 3611278 (VCV003611278.3).